The following is an entry in ClinVar:

NM_000539.3(RHO):c.71T>C (p.Phe24Ser)

Gene: RHO (rhodopsin; plus strand). Cytogenetic location: 3q22.1.
Variant type: single nucleotide variant.
Coding change: c.71T>C on transcript NM_000539.3 (MANE Select); coding-DNA position 71, T replaced by C.
Protein change: p.Phe24Ser; replaces phenylalanine 24 with serine.
Molecular consequence: missense variant.
Genome position (GRCh38, 1-based): chr3:129,528,804, T>C. VCF-style: chr3-129528804-T-C. GRCh37 (hg19) VCF-style: chr3-129247647-T-C.
Other names: short protein forms F24S.
Identifiers: ClinVar variation 2758963 (VCV002758963.4), dbSNP rs2533019513, ClinGen allele CA354495517.

ClinVar aggregate classification (germline): Uncertain significance. Review status: criteria provided, single submitter (1 of 4 stars). 2 submissions from 2 submitters: Uncertain significance (1). 1 of the submissions does not count toward it. Last evaluated 2023-09-30.

Conditions:
Retinal dystrophy. Also called: Inherited retinal dystrophy. Identifiers: Orphanet 71862, MedGen C0854723, MeSH D058499, MONDO:0019118, HP:0000556.

Submissions (2):

Labcorp Genetics (formerly Invitae), Labcorp
Classification: Uncertain significance. Last evaluated: 2023-09-30. Review status: criteria provided, single submitter. Criteria: Invitae Variant Classification Sherloc (09022015). Collection method: clinical testing. Allele origin: germline.
Comment: In summary, the available evidence is currently insufficient to determine the role of this variant in disease. Therefore, it has been classified as a Variant of Uncertain Significance. Advanced modeling of protein sequence and biophysical properties (such as structural, functional, and spatial information, amino acid conservation, physicochemical variation, residue mobility, and thermodynamic stability) performed at Invitae indicates that this missense variant is expected to disrupt RHO protein function. This variant has not been reported in the literature in individuals affected with RHO-related conditions. This variant is not present in population databases (gnomAD no frequency). This sequence change replaces phenylalanine, which is neutral and non-polar, with serine, which is neutral and polar, at codon 24 of the RHO protein (p.Phe24Ser).

Institute of Human Genetics, Univ. Regensburg, Univ. Regensburg
Classification: Pathogenic for Retinal dystrophy. Last evaluated: 2018-01-01. Review status: no assertion criteria provided. Criteria: ACMG Guidelines, 2015. Collection method: clinical testing. Allele origin: germline. Affected: yes. Not counted in ClinVar's aggregate classification.